The following is an entry in ClinVar:

NM_007194.4(CHEK2):c.736G>C (p.Val246Leu)

Gene: CHEK2 (checkpoint kinase 2; minus strand). Cytogenetic location: 22q12.1.
Variant type: single nucleotide variant.
Coding change: c.736G>C on transcript NM_007194.4 (MANE Select); coding-DNA position 736, G replaced by C.
Protein change: p.Val246Leu; replaces valine 246 with leucine.
Molecular consequence: missense variant.
Genome position (GRCh38, 1-based): chr22:28,711,965, C>G on the plus strand (G>C on the coding strand, the complement: CHEK2 is on the minus strand). VCF-style: chr22-28711965-C-G. GRCh37 (hg19) VCF-style: chr22-29107953-C-G.
Other names: c.865G>C, p.Val289Leu (NM_001005735.3); c.73G>C, p.Val25Leu (NM_001257387.3); c.535G>C, p.Val179Leu (NM_001349956.3); c.736G>C, p.Val246Leu (NM_145862.3); short protein forms V246L, V179L, V289L, V25L.
Identifiers: ClinVar variation 410000 (VCV000410000.19), dbSNP rs748504161, ClinGen allele CA10167886.
Genomic context (GRCh38, chr22:28,711,965, plus strand): 5'-TTACTGCCTCTCTTGCTGAACCAATAGCAAACTTCCTTTTGCTGATGATCTTTATGGCTA[C>G]TTTCTTACATGTTTTCCTCTCGAAAGCCAGCTTTACCTCTCCACAGGCACCACTAGAGGG-3'
Protein context (NP_009125.1, residues 236-256): LAFERKTCKK[Val246Leu]AIKIISKRKF

ClinVar aggregate classification (germline): Uncertain significance. Review status: criteria provided, multiple submitters, no conflicts (2 of 4 stars). 4 submissions from 4 submitters: Uncertain significance (4). Last evaluated 2025-08-12.

Conditions:
Hereditary cancer-predisposing syndrome. Also called: Neoplastic Syndromes, Hereditary; Tumor predisposition; Hereditary Cancer Syndrome; Hereditary neoplastic syndrome. Identifiers: Orphanet 140162, MedGen C0027672, MeSH D009386, MONDO:0015356.
Familial cancer of breast. Also called: hereditary breast carcinoma; BREAST CANCER, FAMILIAL; Hereditary breast cancer. Identifiers: Orphanet 227535, MedGen C0346153, MONDO:0016419, OMIM 114480. Disease mechanism: loss of function.

Allele frequency attached by ClinVar (database versions not stated): gnomAD exomes below 0.00001.
gnomAD v4.1: 3 of 1,613,088 alleles (0.00019%); highest among the groups gnomAD compares: Middle Eastern, 0.017%; no homozygotes.

Submissions (4):

Ambry Genetics
Classification: Uncertain significance for Hereditary cancer-predisposing syndrome. Last evaluated: 2025-08-12. Review status: criteria provided, single submitter. Criteria: Ambry Variant Classification Scheme 2023. Collection method: clinical testing. Allele origin: germline.
Comment: The p.V246L variant (also known as c.736G>C), located in coding exon 5 of the CHEK2 gene, results from a G to C substitution at nucleotide position 736. The valine at codon 246 is replaced by leucine, an amino acid with highly similar properties. This variant was identified amongst a Turkish breast cancer cohort (Akcay IM et al. Int J Cancer, 2021 Jan;148:285-295). This amino acid position is highly conserved in available vertebrate species. This variant was reported as functional in a study assessing CHEK2-complementation through quantification of KAP1 phosphorylation and CHK2 autophosphorylation in human RPE1-CHEK2-knockout cells (Stolarova L et al. Clin Cancer Res, 2023 Aug;29:3037-3050). In addition, this alteration is predicted to be deleterious by in silico analysis. Based on the available evidence, the clinical significance of this variant remains unclear.

Quest Diagnostics Nichols Institute San Juan Capistrano
Classification: Uncertain significance. Last evaluated: 2025-06-24. Review status: criteria provided, single submitter. Criteria: Quest Diagnostics criteria. Collection method: clinical testing. Allele origin: unknown.
Comment: The CHEK2 c.736G>C (p.Val246Leu) variant has been reported in the published literature in an individual with breast cancer (PMID: 32658311 (2021)), as well as in reportedly unaffected individuals in a large-scale breast cancer association study (PMID: 33471991 (2021), see also LOVD). Assessment of experimental analysis yielded inconclusive results regarding the impact of this variant on protein function (PMID: 37449874 (2023)). The frequency of this variant in the general population (Genome Aggregation Database) is uninformative in the assessment of its pathogenicity. Analysis of this variant using bioinformatics tools for the prediction of the effect of amino acid changes on protein structure and function yielded conflicting predictions that this variant is benign or damaging. Based on the available information, we are unable to determine the clinical significance of this variant.

Blueprint Genetics
Classification: Uncertain significance. Last evaluated: 2024-06-17. Review status: criteria provided, single submitter. Criteria: ACMG Guidelines, 2015. Collection method: clinical testing. Allele origin: germline.

Labcorp Genetics (formerly Invitae), Labcorp
Classification: Uncertain significance for Familial cancer of breast. Last evaluated: 2024-05-04. Review status: criteria provided, single submitter. Criteria: Invitae Variant Classification Sherloc (09022015). Collection method: clinical testing. Allele origin: germline.
Comment: This sequence change replaces valine, which is neutral and non-polar, with leucine, which is neutral and non-polar, at codon 246 of the CHEK2 protein (p.Val246Leu). This variant is present in population databases (rs748504161, gnomAD 0.0009%). This variant has not been reported in the literature in individuals affected with CHEK2-related conditions. ClinVar contains an entry for this variant (Variation ID: 410000). An algorithm developed to predict the effect of missense changes on protein structure and function (PolyPhen-2) suggests that this variant is likely to be disruptive. In summary, the available evidence is currently insufficient to determine the role of this variant in disease. Therefore, it has been classified as a Variant of Uncertain Significance.

Literature cited by the submitters: PubMed 32658311 (cited by Ambry Genetics and Quest Diagnostics Nichols Institute San Juan Capistrano); PubMed 37449874 (cited by Ambry Genetics and Quest Diagnostics Nichols Institute San Juan Capistrano); PubMed 39594831 (cited by Ambry Genetics); PubMed 25916844 (cited by Quest Diagnostics Nichols Institute San Juan Capistrano).